The following is an entry in ClinVar:

NM_139057.4(ADAMTS17):c.1482G>A (p.Met494Ile)

Gene: ADAMTS17 (ADAM metallopeptidase with thrombospondin type 1 motif 17; minus strand). Cytogenetic location: 15q26.3.
Variant type: single nucleotide variant.
Coding change: c.1482G>A on transcript NM_139057.4 (MANE Select); coding-DNA position 1482, G replaced by A.
Protein change: p.Met494Ile; replaces methionine 494 with isoleucine.
Molecular consequence: missense variant.
Genome position (GRCh38, 1-based): chr15:100,133,307, C>T on the plus strand (G>A on the coding strand, the complement: ADAMTS17 is on the minus strand). VCF-style: chr15-100133307-C-T. GRCh37 (hg19) VCF-style: chr15-100673512-C-T.
Other names: c.1482G>A (NM_139057.2); short protein forms M494I.
Identifiers: ClinVar variation 2121614 (VCV002121614.5), dbSNP rs1426558794, ClinGen allele CA393934003.

ClinVar aggregate classification (germline): Uncertain significance. Review status: criteria provided, multiple submitters, no conflicts (2 of 4 stars). 2 submissions from 2 submitters: Uncertain significance (2). Last evaluated 2024-06-07.

Conditions:
Inborn genetic diseases. Identifiers: MedGen C0950123, MeSH D030342.

Submissions (2):

Ambry Genetics
Classification: Uncertain significance for Inborn genetic diseases. Last evaluated: 2024-06-07. Review status: criteria provided, single submitter. Criteria: Ambry Variant Classification Scheme 2023. Collection method: clinical testing. Allele origin: germline.

Labcorp Genetics (formerly Invitae), Labcorp
Classification: Uncertain significance. Last evaluated: 2023-12-11. Review status: criteria provided, single submitter. Criteria: Invitae Variant Classification Sherloc (09022015). Collection method: clinical testing. Allele origin: germline.
Comment: This sequence change replaces methionine, which is neutral and non-polar, with isoleucine, which is neutral and non-polar, at codon 494 of the ADAMTS17 protein (p.Met494Ile). This variant is not present in population databases (gnomAD no frequency). This variant has not been reported in the literature in individuals affected with ADAMTS17-related conditions. ClinVar contains an entry for this variant (Variation ID: 2121614). An algorithm developed to predict the effect of missense changes on protein structure and function (PolyPhen-2) suggests that this variant is likely to be disruptive. In summary, the available evidence is currently insufficient to determine the role of this variant in disease. Therefore, it has been classified as a Variant of Uncertain Significance.